The following is an entry in ClinVar:

NM_000083.3(CLCN1):c.1407G>A (p.Trp469Ter)

Gene: CLCN1 (chloride voltage-gated channel 1; plus strand). Cytogenetic location: 7q34.
Variant type: single nucleotide variant.
Coding change: c.1407G>A on transcript NM_000083.3 (MANE Select); coding-DNA position 1407, G replaced by A.
Protein change: p.Trp469Ter; replaces tryptophan 469 with a stop codon.
Molecular consequence: nonsense. On other transcripts: non-coding transcript variant (1).
Genome position (GRCh38, 1-based): chr7:143,339,258, G>A. VCF-style: chr7-143339258-G-A. GRCh37 (hg19) VCF-style: chr7-143036351-G-A.
Other names: short protein forms W469*.
Identifiers: ClinVar variation 2931629 (VCV002931629.3), dbSNP rs2487082521, ClinGen allele CA369645227.
Genomic context (GRCh38, chr7:143,339,258, plus strand): 5'-TGCATGTCTATTGGGCAGAGTTGAAAGGGTATTCCAACGCTTCTTTCTACTCCAGTTCTG[G>A]ATGTCCATCGTGGCCACCACTATGCCCATACCCTGCGGAGGCTTCATGCCTGTGTTTGTG-3'

ClinVar aggregate classification (germline): Pathogenic (1 of 4 stars; one submission).

Conditions:
Congenital myotonia, autosomal dominant form (THD). Also called: THOMSEN DISEASE; Myotonia congenita autosomal dominant. Identifiers: Orphanet 614, MedGen C2936781, MONDO:0008055, OMIM 160800.
Congenital myotonia, autosomal recessive form. Also called: BECKER DISEASE; Becker Generalized Myotonia; myotonia congenita, autosomal recessive. Identifiers: Orphanet 614, MedGen C0751360, MONDO:0009715, OMIM 255700.

Submission:

Labcorp Genetics (formerly Invitae), Labcorp
Classification: Pathogenic for Congenital myotonia, autosomal recessive form; Congenital myotonia, autosomal dominant form. Last evaluated: 2023-03-03. Review status: criteria provided, single submitter. Criteria: Invitae Variant Classification Sherloc (09022015). Collection method: clinical testing. Allele origin: germline.
Comment: This sequence change creates a premature translational stop signal (p.Trp469*) in the CLCN1 gene. It is expected to result in an absent or disrupted protein product. Loss-of-function variants in CLCN1 are known to be pathogenic (PMID: 17932099, 22094069, 23739125). This variant is not present in population databases (gnomAD no frequency). This variant has not been reported in the literature in individuals affected with CLCN1-related conditions. For these reasons, this variant has been classified as Pathogenic.

Literature cited by the submitters: PubMed 17932099; PubMed 22094069; PubMed 23739125.